The following is an entry in ClinVar:

NM_001349253.2(SCN11A):c.88C>T (p.Arg30Trp)

Gene: SCN11A (sodium voltage-gated channel alpha subunit 11; minus strand). Cytogenetic location: 3p22.2.
Variant type: single nucleotide variant.
Coding change: c.88C>T on transcript NM_001349253.2 (MANE Select); coding-DNA position 88, C replaced by T.
Protein change: p.Arg30Trp; replaces arginine 30 with tryptophan.
Molecular consequence: missense variant.
Genome position (GRCh38, 1-based): chr3:38,950,275, G>A on the plus strand (C>T on the coding strand, the complement: SCN11A is on the minus strand). VCF-style: chr3-38950275-G-A. GRCh37 (hg19) VCF-style: chr3-38991766-G-A.
Other names: c.88C>T, p.Arg30Trp (NM_014139.3); short protein forms R30W.
Identifiers: ClinVar variation 541547 (VCV000541547.6), dbSNP rs761199291, ClinGen allele CA72994588.

ClinVar aggregate classification (germline): Uncertain significance. Review status: criteria provided, multiple submitters, no conflicts (2 of 4 stars). 2 submissions from 2 submitters: Uncertain significance (2). Last evaluated 2026-09-23.

Conditions:
SCN11A-related disorder. Also called: SCN11A-related condition.
Hereditary sensory and autonomic neuropathy type 7. Also called: Neuropathy, hereditary sensory and autonomic, type VII; HSAN VII. Identifiers: Orphanet 391397, MedGen C3809882, MONDO:0014244, OMIM 615548.
Familial episodic pain syndrome with predominantly lower limb involvement. Also called: Episodic pain syndrome, familial, 3. Identifiers: Orphanet 391384, Orphanet 391392, MedGen C3809899, MONDO:0014247, OMIM 615552.

Allele frequency attached by ClinVar (database versions not stated): gnomAD 0.00001; TOPMed 0.00007.
gnomAD v4.1: 13 of 1,613,840 alleles (0.00081%); highest among the groups gnomAD compares: African/African-American, 0.0094%; no homozygotes.

Submissions (2):

PreventionGenetics, part of Exact Sciences
Classification: Uncertain significance for SCN11A-related condition. Last evaluated: 2026-09-23. Review status: criteria provided, single submitter. Criteria: ACMG Guidelines, 2015. Collection method: clinical testing. Allele origin: germline.
Comment: The SCN11A c.88C>T variant is predicted to result in the amino acid substitution p.Arg30Trp. To our knowledge, this variant has not been reported in the literature. This variant is reported in 0.0080% of alleles in individuals of African descent in gnomAD. At this time, the clinical significance of this variant is uncertain due to the absence of conclusive functional and genetic evidence.

Labcorp Genetics (formerly Invitae), Labcorp
Classification: Uncertain significance for Familial episodic pain syndrome with predominantly lower limb involvement; Hereditary sensory and autonomic neuropathy type 7. Last evaluated: 2024-06-28. Review status: criteria provided, single submitter. Criteria: Invitae Variant Classification Sherloc (09022015). Collection method: clinical testing. Allele origin: germline.
Comment: This sequence change replaces arginine, which is basic and polar, with tryptophan, which is neutral and slightly polar, at codon 30 of the SCN11A protein (p.Arg30Trp). This variant is present in population databases (no rsID available, gnomAD 0.008%). This variant has not been reported in the literature in individuals affected with SCN11A-related conditions. ClinVar contains an entry for this variant (Variation ID: 541547). Advanced modeling of protein sequence and biophysical properties (such as structural, functional, and spatial information, amino acid conservation, physicochemical variation, residue mobility, and thermodynamic stability) performed at Invitae indicates that this missense variant is expected to disrupt SCN11A protein function with a positive predictive value of 80%. In summary, the available evidence is currently insufficient to determine the role of this variant in disease. Therefore, it has been classified as a Variant of Uncertain Significance.